The following is an entry in ClinVar:

NM_001010909.5(MUC21):c.665del (p.Ala222fs)

Genes: MUC21 (mucin 21, cell surface associated; plus strand), LOC126859647 (CDK7 strongly-dependent group 2 enhancer GRCh37_chr6:30954612-30955811; plus strand). Cytogenetic location: 6p21.33.
Variant type: Deletion.
Coding change: c.665del on transcript NM_001010909.5 (MANE Select); coding-DNA position 665, one base deleted (C; older notation c.665delC).
Protein change: p.Ala222fs; shifts the reading frame from alanine 222.
Molecular consequence: frameshift variant. On other transcripts: non-coding transcript variant (1).
Genome position (GRCh38, 1-based): chr6:30,986,840, C deleted. VCF-style (leftmost placement, unchanged base first): chr6-30986839-GC-G. GRCh37 (hg19) VCF-style: chr6-30954616-GC-G.
Other names: c.755del, p.Ala252fs (NM_001322370.2, NM_001322371.2); short protein forms A252fs, A222fs.
Identifiers: ClinVar variation 243064 (VCV000243064.1), dbSNP rs772843697, ClinGen allele CA3707233.

ClinVar aggregate classification (germline): Benign (1 of 4 stars; one submission).

Allele frequency attached by ClinVar (database versions not stated): ESP Exome Variant Server 0.00016; gnomAD 0.00006 and 0.00007; gnomAD exomes 0.00014; ExAC 0.00016.

Submission:

Lupski Lab, Baylor-Hopkins CMG, Baylor College of Medicine
Classification: Benign. Last evaluated: 2015-11-01. Review status: criteria provided, single submitter. Criteria: Boone et al. (Mol Genet Genomic Med. 2015). Collection method: research. Allele origin: germline. Affected: no.
Comment: Benign. This variant was found to be outside the region (chr6:32557483-35479574) linked to juvenile cataracts using SNP-based fine mapping.